The following is an entry in ClinVar:

NM_000051.4(ATM):c.3110C>T (p.Ser1037Phe)

Gene: ATM (ATM serine/threonine kinase; plus strand). Cytogenetic location: 11q22.3.
Variant type: single nucleotide variant.
Coding change: c.3110C>T on transcript NM_000051.4 (MANE Select); coding-DNA position 3110, C replaced by T.
Protein change: p.Ser1037Phe; replaces serine 1037 with phenylalanine.
Molecular consequence: missense variant.
Genome position (GRCh38, 1-based): chr11:108,272,564, C>T. VCF-style: chr11-108272564-C-T. GRCh37 (hg19) VCF-style: chr11-108143291-C-T.
Other names: c.3110C>T, p.Ser1037Phe (NM_001351834.2); short protein forms S1037F.
Identifiers: ClinVar variation 490517 (VCV000490517.10), dbSNP rs1555085821, ClinGen allele CA382515162.
Genomic context (GRCh38, chr11:108,272,564, plus strand): 5'-TAACTTTGGAAAACTTACTTGATTTCAGGCATCTAACAAAGGAGAGGAAATATATATTCT[C>T]TGTAAGAATGGCCCTAGTAAATTGCCTTAAAACTTTGCTTGAGGTGAGTTTTTGCATTTT-3'
Protein context (NP_000042.3, residues 1027-1047): HLTKERKYIF[Ser1037Phe]VRMALVNCLK

ClinVar aggregate classification (germline): Uncertain significance. Review status: criteria provided, multiple submitters, no conflicts (2 of 4 stars). 3 submissions from 3 submitters: Uncertain significance (3). Last evaluated 2025-03-03.

Conditions:
Hereditary cancer-predisposing syndrome. Also called: Hereditary Cancer Syndrome; Neoplastic Syndromes, Hereditary; Tumor predisposition; Hereditary neoplastic syndrome. Identifiers: Orphanet 140162, MedGen C0027672, MeSH D009386, MONDO:0015356.
Familial cancer of breast. Also called: Hereditary breast cancer; BREAST CANCER, FAMILIAL; hereditary breast carcinoma. Identifiers: Orphanet 227535, MedGen C0346153, MONDO:0016419, OMIM 114480. Disease mechanism: loss of function.

Allele frequency attached by ClinVar (database versions not stated): TOPMed below 0.00001.
gnomAD v4.1: 1 of 1,613,682 alleles (0.000062%); highest among the groups gnomAD compares: African/African-American, 0.0013%; no homozygotes.

Submissions (3):

Ambry Genetics
Classification: Uncertain significance for Hereditary cancer-predisposing syndrome. Last evaluated: 2025-03-03. Review status: criteria provided, single submitter. Criteria: Ambry Variant Classification Scheme 2023. Collection method: clinical testing. Allele origin: germline.
Comment: The p.S1037F variant (also known as c.3110C>T), located in coding exon 20 of the ATM gene, results from a C to T substitution at nucleotide position 3110. The serine at codon 1037 is replaced by phenylalanine, an amino acid with highly dissimilar properties. This amino acid position is not well conserved in available vertebrate species. In addition, this alteration is predicted to be tolerated by in silico analysis. Based on the available evidence, the clinical significance of this variant remains unclear.

Baylor Genetics
Classification: Uncertain significance for Familial cancer of breast. Last evaluated: 2024-01-31. Review status: criteria provided, single submitter. Criteria: ACMG Guidelines, 2015. Collection method: clinical testing. Allele origin: unknown.

Color Diagnostics, LLC DBA Color Health
Classification: Uncertain significance for Hereditary cancer-predisposing syndrome. Last evaluated: 2023-12-04. Review status: criteria provided, single submitter. Criteria: ACMG Guidelines, 2015. Collection method: clinical testing. Allele origin: germline.
Comment: This missense variant replaces serine with phenylalanine at codon 1037 of the ATM protein. Computational prediction suggests that this variant may not impact protein structure and function (internally defined REVEL score threshold <= 0.5, PMID: 27666373). To our knowledge, functional studies have not been reported for this variant. This variant has not been reported in individuals affected with ATM-related disorders in the literature. This variant has not been identified in the general population by the Genome Aggregation Database (gnomAD). The available evidence is insufficient to determine the role of this variant in disease conclusively. Therefore, this variant is classified as a Variant of Uncertain Significance.